The following is an entry in ClinVar:

NM_000093.5(COL5A1):c.2670T>G (p.Phe890Leu)

Gene: COL5A1 (collagen type V alpha 1 chain; plus strand). Cytogenetic location: 9q34.3.
Variant type: single nucleotide variant.
Coding change: c.2670T>G on transcript NM_000093.5 (MANE Select); coding-DNA position 2670, T replaced by G.
Protein change: p.Phe890Leu; replaces phenylalanine 890 with leucine.
Molecular consequence: missense variant.
Genome position (GRCh38, 1-based): chr9:134,789,178, T>G. VCF-style: chr9-134789178-T-G. GRCh37 (hg19) VCF-style: chr9-137681024-T-G.
Other names: c.2670T>G, p.Phe890Leu (NM_001278074.1); short protein forms F890L.
Identifiers: ClinVar variation 2813596 (VCV002813596.3), dbSNP rs2490740265, ClinGen allele CA375455802.

ClinVar aggregate classification (germline): Uncertain significance (1 of 4 stars; one submission).

Conditions:
Ehlers-Danlos syndrome, classic type, 1 (EDSCL1). Also called: EHLERS-DANLOS SYNDROME, GRAVIS TYPE; EHLERS-DANLOS SYNDROME, SEVERE CLASSIC TYPE; Ehlers-Danlos syndrome, type 1; Ehlers-Danlos Syndrome, Classic Type, COL5A1-Related; EDS I. Identifiers: MedGen C0268335, MONDO:0019567, OMIM 130000.

Submission:

Labcorp Genetics (formerly Invitae), Labcorp
Classification: Uncertain significance for Ehlers-Danlos syndrome, classic type, 1. Last evaluated: 2023-11-07. Review status: criteria provided, single submitter. Criteria: Invitae Variant Classification Sherloc (09022015). Collection method: clinical testing. Allele origin: germline.
Comment: This sequence change replaces phenylalanine, which is neutral and non-polar, with leucine, which is neutral and non-polar, at codon 890 of the COL5A1 protein (p.Phe890Leu). This variant is not present in population databases (gnomAD no frequency). This variant has not been reported in the literature in individuals affected with COL5A1-related conditions. Advanced modeling of protein sequence and biophysical properties (such as structural, functional, and spatial information, amino acid conservation, physicochemical variation, residue mobility, and thermodynamic stability) performed at Invitae indicates that this missense variant is not expected to disrupt COL5A1 protein function with a negative predictive value of 95%. In summary, the available evidence is currently insufficient to determine the role of this variant in disease. Therefore, it has been classified as a Variant of Uncertain Significance.